The following is an entry in ClinVar:

NM_000091.5(COL4A3):c.3383G>A (p.Gly1128Asp)

Genes: MFF-DT (MFF divergent transcript; minus strand), COL4A3 (collagen type IV alpha 3 chain; plus strand). Cytogenetic location: 2q36.3.
Variant type: single nucleotide variant.
Coding change: c.3383G>A on transcript NM_000091.5 (MANE Select); coding-DNA position 3383, G replaced by A.
Protein change: p.Gly1128Asp; replaces glycine 1128 with aspartic acid.
Molecular consequence: missense variant.
Genome position (GRCh38, 1-based): chr2:227,294,535, G>A. VCF-style: chr2-227294535-G-A. GRCh37 (hg19) VCF-style: chr2-228159251-G-A.
Other names: short protein forms G1128D.
Identifiers: ClinVar variation 3066244 (VCV003066244.1), dbSNP rs2469859573, ClinGen allele CA350858581.
Genomic context (GRCh38, chr2:227,294,535, plus strand): 5'-TCTCTTCATTTCCAGGAAAGCCAGGTCCTCATGGTGATTTGGGTTTTAAAGGAATCAAAG[G>A]CCTCCTGGGCCCTCCAGGAATCAGAGGCCCTCCAGGTTTCATTTTTGTACTTTCTCTTTT-3'
Protein context (NP_000082.2, residues 1118-1138): HGDLGFKGIK[Gly1128Asp]LLGPPGIRGP

ClinVar aggregate classification (germline): Likely pathogenic (1 of 4 stars; one submission).

Conditions:
Autosomal dominant Alport syndrome (ATS3A). Also called: ALPORT SYNDROME 3A, AUTOSOMAL DOMINANT; Alport syndrome dominant type; Renal failure and sensorineural hearing loss. Identifiers: Orphanet 63, Orphanet 88918, MedGen C5882663, MONDO:0007086, OMIM 104200.

Submission:

MVZ Medizinische Genetik Mainz
Classification: Likely pathogenic for Autosomal dominant Alport syndrome. Last evaluated: 2024-02-12. Review status: criteria provided, single submitter. Criteria: UK Practice Guidelines For Variant Classification V4 01 2020. Collection method: clinical testing. Allele origin: germline. Inheritance: Autosomal dominant inheritance. Affected: yes. Observed: 1 variant allele.
Comment: ACMG Criteria: PM1_STR,PM2_SUP,PP3,PP4